The following continues an entry in ClinVar:

NM_000520.6(HEXA):c.1496G>A (p.Arg499His)

Gene: HEXA. ClinVar aggregate classification (germline): Pathogenic. Pathogenic (19).

Submissions 13 to 21 of 21:

Rady Children's Institute for Genomic Medicine, Rady Children's Hospital San Diego
Classification: Pathogenic for Hexosaminidase A deficiency. Last evaluated: 2020-01-02. Review status: criteria provided, single submitter. Criteria: ACMG Guidelines, 2015. Collection method: clinical testing. Allele origin: germline. Affected: yes.
Comment: This variant has been reported in the literature in the compound heterozygote state in individuals affected with infantile Tay-Sachs disease and in individuals with the juvenile onset form (PMID 29214523, 31367523, 18490185, 2144098). ClinVar contains an entry for this variant (Variation ID: 3899). It is present in the heterozygous state in the gnomAD population database at a frequency of 0.006% (14/251458) and thus is presumed to be rare. The c.1496G>A (p.Arg499His) variant affects a highly conserved amino acid and is predicted by multiple in silico tools to have a deleterious effect on protein function. Based on the available evidence, the c.1496G>A (p.Arg499His) variant is classified as Likely Pathogenic.

Women's Health and Genetics/Laboratory Corporation of America, LabCorp
Classification: Pathogenic for Tay-Sachs disease. Last evaluated: 2018-02-12. Review status: criteria provided, single submitter. Criteria: LabCorp Variant Classification Summary - May 2015. Collection method: clinical testing. Allele origin: germline.
Comment: Variant summary: HEXA c.1496G>A (p.Arg499His) results in a non-conservative amino acid change in the encoded protein sequence. Five of five in-silico tools predict a damaging effect of the variant on protein function. The variant, c.1496G>A, was observed with an allele frequency of 5.7e-05 in 246362 control chromosomes (gnomAD and publication controls). This frequency is not significantly higher than expected for a pathogenic variant in HEXA causing Tay-Sachs Disease (5.7e-05 vs 0.0014), allowing no conclusion about variant significance. The variant, c.1496G>A, has been reported in the literature in multiple compound heterozygote individuals affected with Tay-Sachs Disease, while some present with a subacute phenotype or late-onset (adult and juvenile). Multiple clinical diagnostic laboratories via ClinVar submissions (evaluations performed after 2014) classify the variant as "pathogenic." Based on the evidence outlined above, the variant was classified as pathogenic.

Eurofins Ntd Llc (ga)
Classification: Pathogenic. Last evaluated: 2015-11-06. Review status: criteria provided, single submitter. Criteria: EGL Classification Definitions 2015. Collection method: clinical testing. Allele origin: germline. Observed: 1 variant allele, 1 heterozygote.

Imagene.me medical diagnostic laboratory, IMAGENE.ME SA
Classification: Pathogenic for Tay-Sachs disease. Review status: criteria provided, single submitter. Criteria: IMAGENE.ME Variant Classification SOP 2022. Collection method: clinical testing. Allele origin: germline. Affected: yes.
Comment: Classified according to the IMAGENE.ME variant classification SOP based on the ACMG guidelines as Pathogenic (P): PS4 + PS3_Supporting + PM2_Supporting + PM3_Supporting + PM5 + PP3_Moderate + PP4 + PP5

Juno Genomics, Hangzhou Juno Genomics, Inc
Classification: Pathogenic for Tay-Sachs disease. Review status: criteria provided, single submitter. Criteria: ACMG Guidelines, 2015. Collection method: clinical testing. Allele origin: germline.
Comment: Absent from controls (or at extremely low frequency if recessive) in Genome Aggregation Database.;Well-established in vitro or in vivo functional studies supportive of a damaging effect on the gene or gene product.;For recessive disorders, detected in trans with a pathogenic variant.;Novel missense change at an amino acid residue where a different missense change determined to be pathogenic has been seen before.

Kasturba Medical College, Manipal, Kasturba Medical College, Manipal, Manipal Academy of Higher Education, Manipal, India
Classification: Pathogenic for Tay-Sachs disease. Review status: criteria provided, single submitter. Criteria: ACMG Guidelines, 2015. Collection method: clinical testing. Allele origin: germline. Affected: yes. Observed: 2 variant alleles.

Neuberg Centre For Genomic Medicine, NCGM
Classification: Pathogenic for Tay-Sachs disease. Review status: criteria provided, single submitter. Criteria: ACMG Guidelines, 2015. Collection method: clinical testing. Allele origin: germline. Inheritance: Autosomal recessive inheritance. Affected: yes.
Comment: The observed missense variant c.1496G>A (p.Arg499His) in HEXA gene has been reported previously in homozygous andcompound heterozygous state in individuals affected with HEXA related disorder (Stepien KM et al. 2018; Matsuzawa F et al. 2003).Functional studies demonstrate a damaging effect (retention of the Hex alpha-subunit in the ER and posterior degradation alongwith a lower value of the solvent-accessible surface area) (Paw et al., 1990). The p.Arg499His variant has allele frequency of 0.01%in gnomAD Exomes. This variant has been reported to the ClinVar database as Pathogenic (multiple submitters). Multiple lines ofcomputational evidence (Polyphen -Probably damaging, SIFT - Damaging and Mutation Taster - Disease causing) predict adamaging effect on protein structure and function for this variant. The amino acid change p.Arg499His in HEXA is predicted asconserved by GERP++ and PhyloP across 100 vertebrates. The amino acid Arg at position 499 is changed to a His changing proteinsequence and it might alter its composition and physico-chemical properties. For these reasons, this variant has been classifiedas Pathogenic. In the absence of another reportable variant, the molecular diagnosis is not confirmed.

Counsyl
Classification: Pathogenic for Tay-Sachs disease. Last evaluated: 2018-06-17. Review status: no assertion criteria provided. Collection method: clinical testing. Allele origin: unknown. Not counted in ClinVar's aggregate classification.

OMIM
Classification: Pathogenic for GM2-GANGLIOSIDOSIS, JUVENILE. Last evaluated: 2003-01-01. Review status: no assertion criteria provided. Collection method: literature only. Allele origin: germline. Not counted in ClinVar's aggregate classification.

Literature cited by the submitters: PubMed 2144098 (cited by Labcorp Genetics (formerly Invitae), Labcorp); PubMed 14577003 (cited by 3 submitters); PubMed 17237499 (cited by Labcorp Genetics (formerly Invitae), Labcorp and Counsyl); PubMed 17015493 (cited by 3 submitters); PubMed 29214523 (cited by 3billion and Ambry Genetics); PubMed 1532289 (cited by 3billion); PubMed 1833974 (cited by 4 submitters); PubMed 2140574 (cited by 5 submitters); PubMed 18490185 (cited by Ambry Genetics and Counsyl); PubMed 31367523 (cited by Ambry Genetics); PubMed 1301938 (cited by Women's Health and Genetics/Laboratory Corporation of America, LabCorp); PubMed 22441121 (cited by Women's Health and Genetics/Laboratory Corporation of America, LabCorp and Counsyl); PubMed 12202988 (cited by Women's Health and Genetics/Laboratory Corporation of America, LabCorp); PubMed 14566483 (cited by 3 submitters); PubMed 8490625 (cited by Eurofins Ntd Llc (ga) and Counsyl); PubMed 24498621 (cited by Counsyl); PubMed 24767253 (cited by Counsyl); PubMed 16948947 (cited by Counsyl); PubMed 19091716 (cited by Counsyl); PubMed 25557439 (cited by Counsyl).